The following is an entry in ClinVar:

ClinVar aggregate classification (germline): Uncertain significance (1 of 4 stars; one submission).

Submission:

GeneDx
Classification: Uncertain significance. Last evaluated: 2022-05-04. Review status: criteria provided, single submitter. Criteria: GeneDx Variant Classification Process June 2021. Collection method: clinical testing. Allele origin: germline. Affected: yes.
Comment: Not observed at significant frequency in large population cohorts (gnomAD); In silico analysis supports that this missense variant has a deleterious effect on protein structure/function; Has not been previously published as pathogenic or benign to our knowledge

NM_001012614.2(CTBP1):c.79T>G (p.Cys27Gly)

Gene: CTBP1 (C-terminal binding protein 1; minus strand). Cytogenetic location: 4p16.3.
Variant type: single nucleotide variant.
Coding change: c.79T>G on transcript NM_001012614.2 (MANE Select); coding-DNA position 79, T replaced by G.
Protein change: p.Cys27Gly; replaces cysteine 27 with glycine.
Molecular consequence: missense variant.
Genome position (GRCh38, 1-based): chr4:1,238,266, A>C on the plus strand (T>G on the coding strand, the complement: CTBP1 is on the minus strand). VCF-style: chr4-1238266-A-C. GRCh37 (hg19) VCF-style: chr4-1232054-A-C.
Other names: c.112T>G, p.Cys38Gly (NM_001328.3, NM_001377186.1); c.79T>G, p.Cys27Gly (NM_001377187.1, NM_001377188.1, NM_001377189.1 and 4 more transcripts); short protein forms C27G, C38G.
Identifiers: ClinVar variation 1722799 (VCV001722799.2), dbSNP rs2535199842, ClinGen allele CA355960888.